The following is an entry in ClinVar:

NM_014363.6(SACS):c.5470A>G (p.Met1824Val)

Gene: SACS (sacsin molecular chaperone; minus strand). Cytogenetic location: 13q12.12.
Variant type: single nucleotide variant.
Coding change: c.5470A>G on transcript NM_014363.6 (MANE Select); coding-DNA position 5470, A replaced by G.
Protein change: p.Met1824Val; replaces methionine 1824 with valine.
Molecular consequence: missense variant.
Genome position (GRCh38, 1-based): chr13:23,338,406, T>C on the plus strand (A>G on the coding strand, the complement: SACS is on the minus strand). VCF-style: chr13-23338406-T-C. GRCh37 (hg19) VCF-style: chr13-23912545-T-C.
Other names: c.5029A>G, p.Met1677Val (NM_001278055.2); short protein forms M1677V, M1824V.
Identifiers: ClinVar variation 2386936 (VCV002386936.3), dbSNP rs751881726, ClinGen allele CA6911244.

ClinVar aggregate classification (germline): Uncertain significance. Review status: criteria provided, multiple submitters, no conflicts (2 of 4 stars). 2 submissions from 2 submitters: Uncertain significance (2). Last evaluated 2024-05-19.

Conditions:
Inborn genetic diseases. Identifiers: MedGen C0950123, MeSH D030342.

Allele frequency attached by ClinVar (database versions not stated): ExAC 0.00001; gnomAD 0.00001; gnomAD exomes 0.00001; TOPMed 0.00001.

Submissions (2):

GeneDx
Classification: Uncertain significance. Last evaluated: 2024-05-19. Review status: criteria provided, single submitter. Criteria: GeneDx Variant Classification Process June 2021. Collection method: clinical testing. Allele origin: germline. Affected: yes.
Comment: Not observed at significant frequency in large population cohorts (gnomAD); In silico analysis indicates that this missense variant does not alter protein structure/function; Has not been previously published as pathogenic or benign to our knowledge

Ambry Genetics
Classification: Uncertain significance for Inborn genetic diseases. Last evaluated: 2022-01-18. Review status: criteria provided, single submitter. Criteria: Ambry Variant Classification Scheme 2023. Collection method: clinical testing. Allele origin: germline.